The following is an entry in ClinVar:

ClinVar aggregate classification (germline): Uncertain significance (1 of 4 stars; one submission).

Submission:

GeneDx
Classification: Uncertain significance. Last evaluated: 2026-01-30. Review status: criteria provided, single submitter. Criteria: GeneDx Variant Classification Process June 2021. Collection method: clinical testing. Allele origin: germline.
Comment: Not observed at significant frequency in large population cohorts (gnomAD); In silico analysis supports that this missense variant has a deleterious effect on protein structure/function; Has not been previously published as pathogenic or benign to our knowledge

NM_001854.4(COL11A1):c.2627C>T (p.Pro876Leu)

Gene: COL11A1 (collagen type XI alpha 1 chain; minus strand). Cytogenetic location: 1p21.1.
Variant type: single nucleotide variant.
Coding change: c.2627C>T on transcript NM_001854.4 (MANE Select); coding-DNA position 2627, C replaced by T.
Protein change: p.Pro876Leu; replaces proline 876 with leucine.
Molecular consequence: missense variant. On other transcripts: non-coding transcript variant (1).
Genome position (GRCh38, 1-based): chr1:102,979,088, G>A on the plus strand (C>T on the coding strand, the complement: COL11A1 is on the minus strand). VCF-style: chr1-102979088-G-A. GRCh37 (hg19) VCF-style: chr1-103444644-G-A.
Other names: c.2510C>T, p.Pro837Leu (NM_001190709.2); c.2663C>T, p.Pro888Leu (NM_080629.3); c.2279C>T, p.Pro760Leu (NM_080630.4); short protein forms P760L, P837L, P876L, P888L.
Identifiers: ClinVar variation 3375826 (VCV003375826.2).